The following is an entry in ClinVar:

ClinVar aggregate classification (germline): Likely benign. Review status: criteria provided, multiple submitters, no conflicts (2 of 4 stars). 3 submissions from 3 submitters: Likely benign (3). Last evaluated 2025-12-09.

Conditions:
Developmental and epileptic encephalopathy, 42 (DEE42A). Also called: Epileptic encephalopathy, early infantile, 42; DEVELOPMENTAL AND EPILEPTIC ENCEPHALOPATHY 42A; EPILEPTIC ENCEPHALOPATHY, EARLY INFANTILE, 42A. Identifiers: MedGen C4310716, MONDO:0014917, OMIM 617106.
Episodic ataxia type 2 (EA2). Also called: ATAXIA, EPISODIC, WITH NYSTAGMUS; ATAXIA, FAMILIAL PAROXYSMAL; CEREBELLAR ATAXIA, PAROXYSMAL, ACETAZOLAMIDE-RESPONSIVE; CEREBELLOPATHY, HEREDITARY PAROXYSMAL; EPISODIC ATAXIA, NYSTAGMUS-ASSOCIATED; ACETAZOLAMIDE-RESPONSIVE HEREDITARY PAROXYSMAL CEREBELLAR ATAXIA. Identifiers: Orphanet 97, MedGen C1720416, MONDO:0007163, OMIM 108500.

Allele frequency attached by ClinVar (database versions not stated): gnomAD 0.00002; TOPMed 0.00003; gnomAD exomes 0.00005.
gnomAD v4.1: 34 of 1,539,052 alleles (0.0022%); highest among the groups gnomAD compares: Admixed American, 0.019%; no homozygotes.

Submissions (3):

Labcorp Genetics (formerly Invitae), Labcorp
Classification: Likely benign for Developmental and epileptic encephalopathy, 42; Episodic ataxia type 2. Last evaluated: 2025-12-09. Review status: criteria provided, single submitter. Criteria: Invitae Variant Classification Sherloc (09022015). Collection method: clinical testing. Allele origin: germline.

Women's Health and Genetics/Laboratory Corporation of America, LabCorp
Classification: Likely benign. Last evaluated: 2023-10-16. Review status: criteria provided, single submitter. Criteria: LabCorp Variant Classification Summary - May 2015. Collection method: clinical testing. Allele origin: germline.
Comment: Variant summary: CACNA1A c.540-20T>C alters a non-conserved nucleotide located at a position not widely known to affect splicing. Consensus agreement among computation tools predict no significant impact on normal splicing. However, these predictions have yet to be confirmed by functional studies. The variant allele was found at a frequency of 5.5e-05 in 164796 control chromosomes (gnomAD). The available data on variant occurrences in the general population are insufficient to allow any conclusion about variant significance. To our knowledge, no occurrence of c.540-20T>C in individuals affected with Epileptic Encephalopathy, Early Infantile, 42 and no experimental evidence demonstrating its impact on protein function have been reported. One submitter has cited clinical-significance assessments for this variant to ClinVar after 2014 and has classified the variant as likely benign. Based on the evidence outlined above, the variant was classified as likely benign.

Blueprint Genetics
Classification: Likely benign. Last evaluated: 2021-09-08. Review status: criteria provided, single submitter. Criteria: ACMG Guidelines, 2015. Collection method: clinical testing. Allele origin: germline.

NM_001127222.2(CACNA1A):c.540-20T>C

Gene: CACNA1A (calcium voltage-gated channel subunit alpha1 A; minus strand). Cytogenetic location: 19p13.13.
Variant type: single nucleotide variant.
Coding change: c.540-20T>C on transcript NM_001127222.2 (MANE Select); 20 bases into the intron before coding-DNA position 540, T replaced by C.
Molecular consequence: intron variant.
Genome position (GRCh38, 1-based): chr19:13,371,799, A>G on the plus strand (T>C on the coding strand, the complement: CACNA1A is on the minus strand). VCF-style: chr19-13371799-A-G. GRCh37 (hg19) VCF-style: chr19-13482613-A-G.
Other names: c.540-20T>C (NM_001127221.2, NM_001174080.2, NM_000068.4 and 1 more transcripts).
Identifiers: ClinVar variation 1641844 (VCV001641844.10), dbSNP rs756413933, ClinGen allele CA9241010.